The following is an entry in ClinVar:

NM_000426.4(LAMA2):c.3529G>C (p.Glu1177Gln)

Gene: LAMA2 (laminin subunit alpha 2; plus strand). Cytogenetic location: 6q22.33.
Variant type: single nucleotide variant.
Coding change: c.3529G>C on transcript NM_000426.4 (MANE Select); coding-DNA position 3529, G replaced by C.
Protein change: p.Glu1177Gln; replaces glutamic acid 1177 with glutamine.
Molecular consequence: missense variant.
Genome position (GRCh38, 1-based): chr6:129,314,772, G>C. VCF-style: chr6-129314772-G-C. GRCh37 (hg19) VCF-style: chr6-129635917-G-C.
Other names: c.3529G>C, p.Glu1177Gln (NM_001079823.2); short protein forms E1177Q.
Identifiers: ClinVar variation 2168378 (VCV002168378.1), dbSNP rs1774472701, ClinGen allele CA365612451.

ClinVar aggregate classification (germline): Uncertain significance (1 of 4 stars; one submission).

Conditions:
LAMA2-related muscular dystrophy (LAMA2-RD). Also called: Laminin alpha 2-related dystrophy. Identifiers: MedGen C5679788, MONDO:0100228.

Allele frequency attached by ClinVar (database versions not stated): TOPMed below 0.00001.
gnomAD v4.1: 3 of 1,614,082 alleles (0.00019%); no homozygotes.

Submission:

Labcorp Genetics (formerly Invitae), Labcorp
Classification: Uncertain significance for LAMA2-related muscular dystrophy. Last evaluated: 2021-09-17. Review status: criteria provided, single submitter. Criteria: Invitae Variant Classification Sherloc (09022015). Collection method: clinical testing. Allele origin: germline.
Comment: This sequence change replaces glutamic acid with glutamine at codon 1177 of the LAMA2 protein (p.Glu1177Gln). The glutamic acid residue is moderately conserved and there is a small physicochemical difference between glutamic acid and glutamine. This variant is not present in population databases (ExAC no frequency). This variant has not been reported in the literature in individuals with LAMA2-related conditions. Algorithms developed to predict the effect of missense changes on protein structure and function are either unavailable or do not agree on the potential impact of this missense change (SIFT: "Tolerated"; PolyPhen-2: "Possibly Damaging"; Align-GVGD: "Class C0"). In summary, the available evidence is currently insufficient to determine the role of this variant in disease. Therefore, it has been classified as a Variant of Uncertain Significance.